The following continues an entry in ClinVar:

NM_000257.4(MYH7):c.2146G>A (p.Gly716Arg)

Gene: MYH7. ClinVar aggregate classification (germline): Pathogenic. Pathogenic (1).

Submissions 9 to 16 of 16:

Agnes Ginges Centre for Molecular Cardiology, Centenary Institute
Classification: Pathogenic for Hypertrophic cardiomyopathy 1. Last evaluated: 2018-11-30. Review status: criteria provided, single submitter. Criteria: ACMG Guidelines, 2015. Collection method: research. Allele origin: germline. Inheritance: Autosomal dominant inheritance. Affected: yes. Not counted in ClinVar's aggregate classification.
Comment: MYH7 Gly716Arg has been previously reported in at least 15 HCM probands (Walsh R, et al., 2017; Garcia-Giustiniani D, et al., 2015; Marsiglia JD, et al., 2013; Zheng DD, et al., 2010; Rai TS, et al., 2009; Richard P, et al., 2003; Woo A, et al., 2003; Ackerman MJ, et al., 2002; Hwang TH, et al., 1998; Anan R, et al., 1994), including 2 de novo case (Zheng DD, et al., 2010; Rai TS, et al., 2009). It has also been reported to segregate in multiple affected individuals in several families (Garcia-Giustiniani D, et al., 2015; Hwang TH, et al., 1998; Choi Anan R, et al., 1994). We have identified this variant 2 probands diagnosed with HCM. The variant is very rare, being absent from the Genome Aggregation Database. In silico tools PolyPhen2, CADD and MutationTaster predict this variant to be deleterious, however SIFT predicts this variant to be 'tolerated'. Functional studies suggest that the Gly716Arg variant decreases the affinity of myosin II to actin, which results in reduced force generation and subsequently compensatory hypertrophy (Fujita et al., 1997). In a large HCM population study Walsh et al., showed that MYH7 variants identified in HCM cases were found to cluster between amino acids 181- 937 (2017), this implies that variants in this region are likely to cause a HCM phenotype. Furthermore variant located in the converter region of MYH7 are predicted to result in worse outcomes (Garcia-Giustiniani D, et al., 2015). Based on the adapted ACMG criteria (Kelly MA, et al., 2018) this variant has been reported in more than 10 unrelated probands (PS4), segregates strongly with disease (PP1_Strong), is located in a mutational hotspot (PM1), is rare in the general population (PM2) and has been reported in de novo cases (PM5) therefore we classify MYH7 Gly716Arg as 'Pathogenic'.

CHEO Genetics Diagnostic Laboratory, Children's Hospital of Eastern Ontario
Classification: Pathogenic for Cardiomyopathy. Last evaluated: 2018-07-11. Review status: criteria provided, single submitter. Criteria: ACMG Guidelines, 2015. Collection method: clinical testing. Allele origin: germline. Not counted in ClinVar's aggregate classification.

Laboratory for Molecular Medicine, Mass General Brigham Personalized Medicine
Classification: Pathogenic for Hypertrophic cardiomyopathy. Last evaluated: 2016-04-25. Review status: criteria provided, single submitter. Criteria: LMM Criteria. Collection method: clinical testing. Allele origin: germline. Observed: 16 variant alleles. Not counted in ClinVar's aggregate classification.
Comment: proposed classification - variant undergoing re-assessment, contact laboratory

Stanford Center for Inherited Cardiovascular Disease, Stanford University
Classification: Pathogenic. Last evaluated: 2012-01-16. Review status: criteria provided, single submitter. Criteria: ACMG Guidelines, 2015. Collection method: provider interpretation. Allele origin: germline. Not counted in ClinVar's aggregate classification.

Laboratory of Genetics and Molecular Cardiology, University of São Paulo
Classification: Likely pathogenic for Hypertrophic cardiomyopathy 1. Review status: criteria provided, single submitter. Criteria: LGCM Criteria August 2015. Collection method: clinical testing. Allele origin: germline. Inheritance: Autosomal dominant inheritance. Affected: yes. Observed: 3 variant alleles. Study: Sarcomeric Human Cardiomyopathy Registry (ShaRe). Not counted in ClinVar's aggregate classification.

OMIM
Classification: Pathogenic for CARDIOMYOPATHY, FAMILIAL HYPERTROPHIC, 1. Last evaluated: 1994-01-01. Review status: no assertion criteria provided. Collection method: literature only. Allele origin: germline. Not counted in ClinVar's aggregate classification.

Clinical Genetics DNA and cytogenetics Diagnostics Lab, Erasmus MC, Erasmus Medical Center
Classification: Pathogenic. Review status: no assertion criteria provided. Collection method: clinical testing. Allele origin: germline. Affected: yes. Study: VKGL Data-share Consensus. Not counted in ClinVar's aggregate classification.

Clinical Genetics, Academic Medical Center
Classification: Pathogenic. Review status: no assertion criteria provided. Collection method: clinical testing. Allele origin: germline. Affected: yes. Study: VKGL Data-share Consensus. Not counted in ClinVar's aggregate classification.

Literature cited by the submitters: PubMed 18953637 (cited by 5 submitters); PubMed 12084606 (cited by 6 submitters); PubMed 12707239 (cited by 4 submitters); PubMed 15358028 (cited by 5 submitters); PubMed 23074333 (cited by ClinGen Cardiomyopathy Variant Curation Expert Panel and 3billion); PubMed 8282798 (cited by 8 submitters); PubMed 12975413 (cited by 6 submitters); PubMed 27532257 (cited by ClinGen Cardiomyopathy Variant Curation Expert Panel and Agnes Ginges Centre for Molecular Cardiology, Centenary Institute); PubMed 20641121 (cited by 4 submitters); PubMed 29300372 (cited by ClinGen Cardiomyopathy Variant Curation Expert Panel and Victorian Clinical Genetics Services, Murdoch Childrens Research Institute); PubMed 9874056 (cited by 4 submitters); PubMed 20031618 (cited by Labcorp Genetics (formerly Invitae), Labcorp); PubMed 20624503 (cited by Labcorp Genetics (formerly Invitae), Labcorp and Agnes Ginges Centre for Molecular Cardiology, Centenary Institute); PubMed 23283745 (cited by Labcorp Genetics (formerly Invitae), Labcorp); PubMed 24093860 (cited by Labcorp Genetics (formerly Invitae), Labcorp and Agnes Ginges Centre for Molecular Cardiology, Centenary Institute); PubMed 25935763 (cited by 3 submitters); PubMed 27161882 (cited by Labcorp Genetics (formerly Invitae), Labcorp and Agnes Ginges Centre for Molecular Cardiology, Centenary Institute); PubMed 9062359 (cited by 4 submitters); PubMed 30297972 (cited by 3billion); PubMed 23233322 (cited by 3billion and Victorian Clinical Genetics Services, Murdoch Childrens Research Institute); PubMed 24714796 (cited by Victorian Clinical Genetics Services, Murdoch Childrens Research Institute); PubMed 29101517 (cited by Agnes Ginges Centre for Molecular Cardiology, Centenary Institute).